The following is an entry in ClinVar:

ClinVar aggregate classification (germline): Uncertain significance (1 of 4 stars; one submission).

Allele frequency attached by ClinVar (database versions not stated): gnomAD 0.00001; ExAC 0.00002; gnomAD exomes 0.00002.
gnomAD v4.1: 27 of 1,613,988 alleles (0.0017%); highest among the groups gnomAD compares: South Asian, 0.03%; no homozygotes.

Submission:

Labcorp Genetics (formerly Invitae), Labcorp
Classification: Uncertain significance. Last evaluated: 2022-03-23. Review status: criteria provided, single submitter. Criteria: Invitae Variant Classification Sherloc (09022015). Collection method: clinical testing. Allele origin: germline.
Comment: This sequence change replaces isoleucine, which is neutral and non-polar, with asparagine, which is neutral and polar, at codon 93 of the TTPA protein (p.Ile93Asn). This variant is present in population databases (rs769549473, gnomAD 0.02%). This variant has not been reported in the literature in individuals affected with TTPA-related conditions. Algorithms developed to predict the effect of missense changes on protein structure and function are either unavailable or do not agree on the potential impact of this missense change (SIFT: "Deleterious"; PolyPhen-2: "Benign"; Align-GVGD: "Class C0"). In summary, the available evidence is currently insufficient to determine the role of this variant in disease. Therefore, it has been classified as a Variant of Uncertain Significance.

NM_000370.3(TTPA):c.278T>A (p.Ile93Asn)

Gene: TTPA (alpha tocopherol transfer protein; minus strand). Cytogenetic location: 8q12.3.
Variant type: single nucleotide variant.
Coding change: c.278T>A on transcript NM_000370.3 (MANE Select); coding-DNA position 278, T replaced by A.
Protein change: p.Ile93Asn; replaces isoleucine 93 with asparagine.
Molecular consequence: missense variant.
Genome position (GRCh38, 1-based): chr8:63,073,015, A>T on the plus strand (T>A on the coding strand, the complement: TTPA is on the minus strand). VCF-style: chr8-63073015-A-T. GRCh37 (hg19) VCF-style: chr8-63985574-A-T.
Other names: short protein forms I93N.
Identifiers: ClinVar variation 1394943 (VCV001394943.5), dbSNP rs769549473, ClinGen allele CA4763287.
Genomic context (GRCh38, chr8:63,073,015, plus strand): 5'-TTGCTGCCAGTGGGATCCCTGGATCTCAGGACTCCATGGTAGCCAGCCTTTAGGAGGCCA[A>T]TAATACTTCTAGGGTGTAGATCTGCACTTATTTCTGGACATTCTGCTCTCCACTTATAAT-3'
Protein context (NP_000361.1, residues 83-103): ISADLHPRSI[Ile93Asn]GLLKAGYHGV